The following is an entry in ClinVar:

ClinVar aggregate classification (germline): Uncertain significance (1 of 4 stars; one submission).

Conditions:
Hereditary cancer-predisposing syndrome. Also called: Hereditary Cancer Syndrome; Hereditary neoplastic syndrome; Neoplastic Syndromes, Hereditary; Tumor predisposition. Identifiers: Orphanet 140162, MedGen C0027672, MeSH D009386, MONDO:0015356.

Submission:

Ambry Genetics
Classification: Uncertain significance for Hereditary cancer-predisposing syndrome. Last evaluated: 2025-08-08. Review status: criteria provided, single submitter. Criteria: Ambry Variant Classification Scheme 2023. Collection method: clinical testing. Allele origin: germline.
Comment: The p.S281N variant (also known as c.842G>A), located in coding exon 2 of the HOXB13 gene, results from a G to A substitution at nucleotide position 842. The serine at codon 281 is replaced by asparagine, an amino acid with highly similar properties. This amino acid position is conserved. In addition, this alteration is predicted to be tolerated by in silico analysis. Based on the available evidence, the clinical significance of this variant remains unclear.

NM_006361.6(HOXB13):c.842G>A (p.Ser281Asn)

Gene: HOXB13 (homeobox B13; minus strand). Cytogenetic location: 17q21.32.
Variant type: single nucleotide variant.
Coding change: c.842G>A on transcript NM_006361.6 (MANE Select); coding-DNA position 842, G replaced by A.
Protein change: p.Ser281Asn; replaces serine 281 with asparagine.
Molecular consequence: missense variant.
Genome position (GRCh38, 1-based): chr17:48,726,803, C>T on the plus strand (G>A on the coding strand, the complement: HOXB13 is on the minus strand). VCF-style: chr17-48726803-C-T. GRCh37 (hg19) VCF-style: chr17-46804165-C-T.
Other names: short protein forms S281N.
Identifiers: ClinVar variation 4271778 (VCV004271778.1).